The following is an entry in ClinVar:

NM_005477.3(HCN4):c.2716G>C (p.Gly906Arg)

Gene: HCN4 (hyperpolarization activated cyclic nucleotide gated potassium channel 4; minus strand). Cytogenetic location: 15q24.1.
Variant type: single nucleotide variant.
Coding change: c.2716G>C on transcript NM_005477.3 (MANE Select); coding-DNA position 2716, G replaced by C.
Protein change: p.Gly906Arg; replaces glycine 906 with arginine.
Molecular consequence: missense variant.
Genome position (GRCh38, 1-based): chr15:73,323,377, C>G on the plus strand (G>C on the coding strand, the complement: HCN4 is on the minus strand). VCF-style: chr15-73323377-C-G. GRCh37 (hg19) VCF-style: chr15-73615718-C-G.
Other names: short protein forms G906R.
Identifiers: ClinVar variation 2069809 (VCV002069809.4), dbSNP rs373572497, ClinGen allele CA393088306.

ClinVar aggregate classification (germline): Uncertain significance (1 of 4 stars; one submission).

Conditions:
Brugada syndrome 8 (BRGDA8). Identifiers: Orphanet 130, MedGen C2751083, MONDO:0013148, OMIM 613123.

Submission:

Labcorp Genetics (formerly Invitae), Labcorp
Classification: Uncertain significance for Brugada syndrome 8. Last evaluated: 2022-08-07. Review status: criteria provided, single submitter. Criteria: Invitae Variant Classification Sherloc (09022015). Collection method: clinical testing. Allele origin: germline.
Comment: This sequence change replaces glycine, which is neutral and non-polar, with arginine, which is basic and polar, at codon 906 of the HCN4 protein (p.Gly906Arg). This variant has not been reported in the literature in individuals affected with HCN4-related conditions. This variant is not present in population databases (gnomAD no frequency). In summary, the available evidence is currently insufficient to determine the role of this variant in disease. Therefore, it has been classified as a Variant of Uncertain Significance. Advanced modeling of protein sequence and biophysical properties (such as structural, functional, and spatial information, amino acid conservation, physicochemical variation, residue mobility, and thermodynamic stability) performed at Invitae indicates that this missense variant is not expected to disrupt HCN4 protein function.